The following is an entry in ClinVar:

ClinVar aggregate classification (germline): Likely pathogenic (1 of 4 stars; one submission).

Submission:

GeneDx
Classification: Likely pathogenic. Last evaluated: 2024-01-11. Review status: criteria provided, single submitter. Criteria: GeneDx Variant Classification Process June 2021. Collection method: clinical testing. Allele origin: germline. Affected: yes.
Comment: Frameshift variant predicted to result in protein truncation or nonsense mediated decay in a gene for which loss of function is a known mechanism of disease; Not observed at significant frequency in large population cohorts (gnomAD); Has not been previously published as pathogenic or benign to our knowledge

NM_004713.6(NEMF):c.2587dup (p.Ala863fs)

Gene: NEMF (nuclear export mediator factor; minus strand). Cytogenetic location: 14q21.3.
Variant type: Duplication.
Coding change: c.2587dup on transcript NM_004713.6 (MANE Select); coding-DNA position 2587, one base duplicated (G; older notation c.2587dupG).
Protein change: p.Ala863fs; shifts the reading frame from alanine 863.
Molecular consequence: frameshift variant.
Genome position (GRCh38, 1-based): chr14:49,795,823, C duplicated on the plus strand (G on the coding strand, the reverse complement: NEMF is on the minus strand). VCF-style (leftmost placement, unchanged base first): chr14-49795822-G-GC. GRCh37 (hg19) VCF-style: chr14-50262540-G-GC.
Other names: c.2524dup, p.Ala842fs (NM_001301732.3); short protein forms A842fs, A863fs.
Identifiers: ClinVar variation 3342433 (VCV003342433.1).